The following is an entry in ClinVar:

NM_002227.4(JAK1):c.1689G>T (p.Glu563Asp)

Gene: JAK1 (Janus kinase 1; minus strand). Cytogenetic location: 1p31.3.
Variant type: single nucleotide variant.
Coding change: c.1689G>T on transcript NM_002227.4 (MANE Select); coding-DNA position 1689, G replaced by T.
Protein change: p.Glu563Asp; replaces glutamic acid 563 with aspartic acid.
Molecular consequence: missense variant.
Genome position (GRCh38, 1-based): chr1:64,850,870, C>A on the plus strand (G>T on the coding strand, the complement: JAK1 is on the minus strand). VCF-style: chr1-64850870-C-A. GRCh37 (hg19) VCF-style: chr1-65316553-C-A.
Other names: c.1689G>T, p.Glu563Asp (NM_001321855.2, NM_001321856.2, NM_001320923.2 and 3 more transcripts); c.1686G>T, p.Glu562Asp (NM_001321857.2); short protein forms E562D, E563D.
Identifiers: ClinVar variation 3639310 (VCV003639310.2).
Genomic context (GRCh38, chr1:64,850,870, plus strand): 5'-CAGATCCTTCTTGAGGATCCGATCGAAACTCAGCTGGCTCATGGGGTAGACGGGCTGCCA[C>A]TCCTGGGCTTTCTTAGTAGCCACCAGCAGGTTGGAGATTTCTGTGGAAGAGATTGGGGGA-3'
Protein context (NP_002218.2, residues 553-573): NLLVATKKAQ[Glu563Asp]WQPVYPMSQL

ClinVar aggregate classification (germline): Uncertain significance (1 of 4 stars; one submission).

gnomAD v4.1: 4 of 1,613,988 alleles (0.00025%); highest among the groups gnomAD compares: South Asian, 0.0044%; no homozygotes.

Submission:

Labcorp Genetics (formerly Invitae), Labcorp
Classification: Uncertain significance. Last evaluated: 2024-02-06. Review status: criteria provided, single submitter. Criteria: Invitae Variant Classification Sherloc (09022015). Collection method: clinical testing. Allele origin: germline.
Comment: This sequence change replaces glutamic acid, which is acidic and polar, with aspartic acid, which is acidic and polar, at codon 563 of the JAK1 protein (p.Glu563Asp). This variant is present in population databases (no rsID available, gnomAD 0.003%). This variant has not been reported in the literature in individuals affected with JAK1-related conditions. An algorithm developed to predict the effect of missense changes on protein structure and function (PolyPhen-2) suggests that this variant is likely to be tolerated. In summary, the available evidence is currently insufficient to determine the role of this variant in disease. Therefore, it has been classified as a Variant of Uncertain Significance.